The following is an entry in ClinVar:

NM_004336.5(BUB1):c.889C>T (p.His297Tyr)

Gene: BUB1 (BUB1 mitotic checkpoint serine/threonine kinase; minus strand). Cytogenetic location: 2q13.
Variant type: single nucleotide variant.
Coding change: c.889C>T on transcript NM_004336.5 (MANE Select); coding-DNA position 889, C replaced by T.
Protein change: p.His297Tyr; replaces histidine 297 with tyrosine.
Molecular consequence: missense variant.
Genome position (GRCh38, 1-based): chr2:110,666,331, G>A on the plus strand (C>T on the coding strand, the complement: BUB1 is on the minus strand). VCF-style: chr2-110666331-G-A. GRCh37 (hg19) VCF-style: chr2-111423908-G-A.
Other names: c.829C>T, p.His277Tyr (NM_001278616.2); c.889C>T, p.His297Tyr (NM_001278617.2); short protein forms H297Y, H277Y.
Identifiers: ClinVar variation 3483013 (VCV003483013.1).

ClinVar aggregate classification (germline): Uncertain significance (1 of 4 stars; one submission).

Submission:

Ambry Genetics
Classification: Uncertain significance. Last evaluated: 2024-06-29. Review status: criteria provided, single submitter. Criteria: Ambry Variant Classification Scheme 2023. Collection method: clinical testing. Allele origin: germline.
Comment: The p.H297Y variant (also known as c.889C>T), located in coding exon 9 of the BUB1 gene, results from a C to T substitution at nucleotide position 889. The histidine at codon 297 is replaced by tyrosine, an amino acid with similar properties. This amino acid position is conserved. In addition, this alteration is predicted to be tolerated by in silico analysis. Based on the available evidence, the clinical significance of this variant remains unclear.